The following is an entry in ClinVar:

NM_001844.5(COL2A1):c.2281G>A (p.Ala761Thr)

Gene: COL2A1 (collagen type II alpha 1 chain; minus strand). Cytogenetic location: 12q13.11.
Variant type: single nucleotide variant.
Coding change: c.2281G>A on transcript NM_001844.5 (MANE Select); coding-DNA position 2281, G replaced by A.
Protein change: p.Ala761Thr; replaces alanine 761 with threonine.
Molecular consequence: missense variant.
Genome position (GRCh38, 1-based): chr12:47,982,522, C>T on the plus strand (G>A on the coding strand, the complement: COL2A1 is on the minus strand). VCF-style: chr12-47982522-C-T. GRCh37 (hg19) VCF-style: chr12-48376305-C-T.
Other names: c.2074G>A, p.Ala692Thr (NM_033150.3); short protein forms A761T, A692T.
Identifiers: ClinVar variation 308919 (VCV000308919.39), dbSNP rs751436440, ClinGen allele CA6535166.

ClinVar aggregate classification (germline): Conflicting classifications of pathogenicity. Review status: criteria provided, conflicting classifications (1 of 4 stars). 5 submissions from 4 submitters: Uncertain significance (3); Likely benign (2). Last evaluated 2025-07-03.

Conditions:
Stickler syndrome type 1 (STL1). Also called: ARTHROOPHTHALMOPATHY, HEREDITARY PROGRESSIVE; STICKLER SYNDROME, MEMBRANOUS VITREOUS TYPE; STICKLER SYNDROME, VITREOUS TYPE 1; COL2A1-Related Stickler Syndrome. Identifiers: Orphanet 828, Orphanet 90653, MedGen C2020284, MONDO:0007160, OMIM 108300.
Type 2 collagenopathy. Identifiers: Orphanet 93421, MedGen C2931073, MONDO:0022800.

Allele frequency attached by ClinVar (database versions not stated): gnomAD 0.00001; gnomAD exomes 0.00001; TOPMed 0.00001; ExAC 0.00002.

Submissions (5):

Labcorp Genetics (formerly Invitae), Labcorp
Classification: Likely benign. Last evaluated: 2025-07-03. Review status: criteria provided, single submitter. Criteria: Invitae Variant Classification Sherloc (09022015). Collection method: clinical testing. Allele origin: germline.

CeGaT Center for Human Genetics Tuebingen
Classification: Uncertain significance. Last evaluated: 2022-05-01. Review status: criteria provided, single submitter. Criteria: CeGaT Center For Human Genetics Tuebingen Variant Classification Criteria Version 2. Collection method: clinical testing. Allele origin: germline. Affected: yes. Observed: 1 variant allele.
Comment: COL2A1: PM2:Supporting, PP2

GeneDx
Classification: Uncertain significance. Last evaluated: 2022-03-22. Review status: criteria provided, single submitter. Criteria: GeneDx Variant Classification Process June 2021. Collection method: clinical testing. Allele origin: germline. Affected: yes.
Comment: Has not been previously published as pathogenic or benign to our knowledge; Not observed at significant frequency in large population cohorts (gnomAD); In silico analysis supports that this missense variant does not alter protein structure/function; Occurs in the triple helical domain at the Y position in the canonical Gly-X-Y repeat; although this variant may have an effect on normal protein folding and function, missense substitution at the Y position is not a common mechanism of disease (HGMD)

Illumina Laboratory Services, Illumina
Classification: Likely benign for Type II Collagenopathies. Last evaluated: 2018-01-13. Review status: criteria provided, single submitter. Criteria: ICSL Variant Classification Criteria 13 December 2019. Collection method: clinical testing. Allele origin: germline.
Comment: This variant was observed in the ICSL laboratory as part of a predisposition screen in an ostensibly healthy population. It had not been previously curated by ICSL or reported in the Human Gene Mutation Database (HGMD: prior to June 1st, 2018), and was therefore a candidate for classification through an automated scoring system. Utilizing variant allele frequency, disease prevalence and penetrance estimates, and inheritance mode, an automated score was calculated to assess if this variant is too frequent to cause the disease. Based on the score and internal cut-off values, a variant classified as likely benign is not then subjected to further curation. The score for this variant resulted in a classification of likely benign for this disease.

Illumina Laboratory Services, Illumina
Classification: Uncertain significance for Stickler syndrome type 1. Last evaluated: 2018-01-13. Review status: criteria provided, single submitter. Criteria: ICSL Variant Classification Criteria 13 December 2019. Collection method: clinical testing. Allele origin: germline.